The following is an entry in ClinVar:

ClinVar aggregate classification (germline): Likely benign (1 of 4 stars; one submission).

Submission:

CeGaT Center for Human Genetics Tuebingen
Classification: Likely benign. Last evaluated: 2025-04-01. Review status: criteria provided, single submitter. Criteria: CeGaT Center For Human Genetics Tuebingen Variant Classification Criteria Version 2. Collection method: clinical testing. Allele origin: germline. Affected: yes. Observed: 1 variant allele.
Comment: SLC30A10: PM2:Supporting, BP4, BP7

NM_001376929.1(SLC30A10):c.381T>C (p.Val127=)

Gene: SLC30A10 (solute carrier family 30 member 10; minus strand). Cytogenetic location: 1q41.
Variant type: single nucleotide variant.
Coding change: c.381T>C on transcript NM_001376929.1; coding-DNA position 381, T replaced by C.
Protein change: p.Val127=; no amino-acid change (valine 127 retained).
Molecular consequence: synonymous variant.
Genome position (GRCh38, 1-based): chr1:219,958,638, A>G on the plus strand (T>C on the coding strand, the complement: SLC30A10 is on the minus strand). VCF-style: chr1-219958638-A-G. GRCh37 (hg19) VCF-style: chr1-220131980-A-G.
Identifiers: ClinVar variation 3898737 (VCV003898737.7).